The following is an entry in ClinVar:

NM_001009944.3(PKD1):c.5034dup (p.Ser1679fs)

Gene: PKD1 (polycystin 1, transient receptor potential channel interacting; minus strand). Cytogenetic location: 16p13.3.
Variant type: Duplication.
Coding change: c.5034dup on transcript NM_001009944.3 (MANE Select); coding-DNA position 5034, one base duplicated (C; older notation c.5034dupC).
Protein change: p.Ser1679fs; shifts the reading frame from serine 1679.
Molecular consequence: frameshift variant.
Genome position (GRCh38, 1-based): chr16:2,110,133, G duplicated on the plus strand (C on the coding strand, the reverse complement: PKD1 is on the minus strand). VCF-style (leftmost placement, unchanged base first): chr16-2110132-T-TG. GRCh37 (hg19) VCF-style: chr16-2160133-T-TG.
Other names: c.5034dup, p.Ser1679fs (NM_000296.4); c.5034dupC (NM_001009944.2); short protein forms S1679fs.
Identifiers: ClinVar variation 3254854 (VCV003254854.1), dbSNP rs2544815998.

ClinVar aggregate classification (germline): Pathogenic (1 of 4 stars; one submission).

Conditions:
Polycystic kidney disease, adult type (PKD1). Also called: Polycystic Kidney Disease 1, Autosomal Dominant; Polycystic kidney disease 1; Polycystic kidney disease 1, severe; POLYCYSTIC KIDNEY DISEASE 1 WITH OR WITHOUT POLYCYSTIC LIVER DISEASE; POLYCYSTIC KIDNEY DISEASE, ADULT, TYPE I; Polycystic Kidney, Autosomal Dominant. Identifiers: MedGen C3149841, MONDO:0008263, OMIM 173900.

Submission:

Victorian Clinical Genetics Services, Murdoch Childrens Research Institute
Classification: Pathogenic for Polycystic kidney disease, adult type. Last evaluated: 2023-07-17. Review status: criteria provided, single submitter. Criteria: ACMG Guidelines, 2015. Collection method: clinical testing. Allele origin: germline. Inheritance: Autosomal dominant inheritance. Affected: yes.
Comment: Based on the classification scheme VCGS_Germline_v1.3.4, this variant is classified as Pathogenic. Following criteria are met: 0102 - Loss of function is a known mechanism of disease in this gene and is associated with polycystic kidney disease 1 (MIM#173900). (I) 0107 - This gene is associated with autosomal dominant disease. Polycystic kidney disease 1 (MIM#173900) is predominantly caused by monoallelic variants, with rare reports of biallelic variants causing disease (OMIM). (I) 0201 - Variant is predicted to cause nonsense-mediated decay (NMD) and loss of protein (premature termination codon is located at least 54 nucleotides upstream of the final exon-exon junction). (SP) 0251 - This variant is heterozygous. (I) 0301 - Variant is absent from gnomAD (both v2 and v3). (SP) 0701 - Other NMD-predicted variants comparable to the one identified in this case have very strong previous evidence for pathogenicity. These variants have been reported many times as pathogenic (DECIPHER). (SP) 0807 - This variant has no previous evidence of pathogenicity. (I) 0905 - No published segregation evidence has been identified for this variant. (I) 1007 - No published functional evidence has been identified for this variant. (I) 1208 - Inheritance information for this variant is not currently available in this individual. (I) Legend: (SP) - Supporting pathogenic, (I) - Information, (SB) - Supporting benign